The following is an entry in ClinVar:

ClinVar aggregate classification (germline): Likely benign. Review status: criteria provided, multiple submitters, no conflicts (2 of 4 stars). 4 submissions from 4 submitters: Likely benign (4). Last evaluated 2026-02-01.

Conditions:
Androgen resistance syndrome (AIS). Also called: DHTR DEFICIENCY; ANDROGEN RECEPTOR DEFICIENCY; DIHYDROTESTOSTERONE RECEPTOR DEFICIENCY; Androgen insensitivity syndrome due to coactivator deficiency; Androgen insensitivity syndrome; Androgen insensitivity, complete. Identifiers: Orphanet 754, Orphanet 99429, MedGen C0039585, MONDO:0019154, OMIM 300068. Disease mechanism: loss of function.
Kennedy disease (SMAX1). Also called: Spinal and Bulbar Muscular Atrophy; SPINAL AND BULBAR MUSCULAR ATROPHY, X-LINKED 1; KENNEDY SPINAL AND BULBAR MUSCULAR ATROPHY. Identifiers: Orphanet 481, MedGen C1839259, MONDO:0010735, OMIM 313200.

Allele frequency attached by ClinVar (database versions not stated): gnomAD 0.00001; gnomAD exomes 0.00014 and 0.00138.
gnomAD v4.1: 86 of 685,493 alleles (0.013%); highest among the groups gnomAD compares: Middle Eastern, 0.14%; 6 homozygotes.

Submissions (4):

CeGaT Center for Human Genetics Tuebingen
Classification: Likely benign. Last evaluated: 2026-02-01. Review status: criteria provided, single submitter. Criteria: CeGaT Center For Human Genetics Tuebingen Variant Classification Criteria Version 2. Collection method: clinical testing. Allele origin: germline. Affected: yes. Observed: 3 variant alleles.
Comment: AR: BP4, BP7, BS2

Blueprint Genetics
Classification: Likely benign. Last evaluated: 2024-08-27. Review status: criteria provided, single submitter. Criteria: ACMG Guidelines, 2015. Collection method: clinical testing. Allele origin: germline.

Labcorp Genetics (formerly Invitae), Labcorp
Classification: Likely benign for Kennedy disease; Androgen resistance syndrome. Last evaluated: 2024-01-08. Review status: criteria provided, single submitter. Criteria: Invitae Variant Classification Sherloc (09022015). Collection method: clinical testing. Allele origin: germline.

Genetic Services Laboratory, University of Chicago
Classification: Likely benign. Last evaluated: 2021-01-29. Review status: criteria provided, single submitter. Criteria: ACMG Guidelines, 2015. Collection method: clinical testing. Allele origin: germline. Affected: no.

NM_000044.6(AR):c.1380C>T (p.Gly460=)

Gene: AR (androgen receptor; plus strand). Cytogenetic location: Xq12.
Variant type: single nucleotide variant.
Coding change: c.1380C>T on transcript NM_000044.6 (MANE Select); coding-DNA position 1380, C replaced by T.
Protein change: p.Gly460=; no amino-acid change (glycine 460 retained).
Molecular consequence: synonymous variant. On other transcripts: 5 prime UTR variant (1).
Genome position (GRCh38, 1-based): chrX:67,546,526, C>T. VCF-style: chrX-67546526-C-T. GRCh37 (hg19) VCF-style: chrX-66766368-C-T.
Other names: c.-404C>T (NM_001011645.3); c.1380C>T, p.Gly460= (NM_001348061.1, NM_001348063.1, NM_001348064.1).
Identifiers: ClinVar variation 1337825 (VCV001337825.15), dbSNP rs1264262764, ClinGen allele CA517048857.